The following is an entry in ClinVar:

ClinVar aggregate classification (germline): Uncertain significance. Review status: criteria provided, multiple submitters, no conflicts (2 of 4 stars). 2 submissions from 2 submitters: Uncertain significance (2). Last evaluated 2025-04-08.

Conditions:
Charcot-Marie-Tooth disease type 2. Also called: Charcot-Marie-Tooth type 2. Identifiers: Orphanet 64746, MedGen C0270914, MONDO:0018993.

Allele frequency attached by ClinVar (database versions not stated): TOPMed 0.00001.
gnomAD v4.1: 2 of 1,577,346 alleles (0.00013%); highest among the groups gnomAD compares: Admixed American, 0.0035%; no homozygotes.

Submissions (2):

Labcorp Genetics (formerly Invitae), Labcorp
Classification: Uncertain significance for Charcot-Marie-Tooth disease type 2. Last evaluated: 2025-04-08. Review status: criteria provided, single submitter. Criteria: Invitae Variant Classification Sherloc (09022015). Collection method: clinical testing. Allele origin: germline.
Comment: This sequence change replaces serine, which is neutral and polar, with cysteine, which is neutral and slightly polar, at codon 35 of the GARS protein (p.Ser35Cys). This variant is not present in population databases (gnomAD no frequency). This variant has not been reported in the literature in individuals affected with GARS-related conditions. ClinVar contains an entry for this variant (Variation ID: 804827). Invitae Evidence Modeling of protein sequence and biophysical properties (such as structural, functional, and spatial information, amino acid conservation, physicochemical variation, residue mobility, and thermodynamic stability) indicates that this missense variant is not expected to disrupt GARS protein function with a negative predictive value of 80%. In summary, the available evidence is currently insufficient to determine the role of this variant in disease. Therefore, it has been classified as a Variant of Uncertain Significance.

Athena Diagnostics
Classification: Uncertain significance. Last evaluated: 2018-08-24. Review status: criteria provided, single submitter. Criteria: Athena Diagnostics Criteria. Collection method: clinical testing. Allele origin: germline.

NM_002047.4(GARS1):c.104C>G (p.Ser35Cys)

Gene: GARS1 (glycyl-tRNA synthetase 1; plus strand). Cytogenetic location: 7p14.3.
Variant type: single nucleotide variant.
Coding change: c.104C>G on transcript NM_002047.4 (MANE Select); coding-DNA position 104, C replaced by G.
Protein change: p.Ser35Cys; replaces serine 35 with cysteine.
Molecular consequence: missense variant. On other transcripts: 5 prime UTR variant (1).
Genome position (GRCh38, 1-based): chr7:30,595,025, C>G. VCF-style: chr7-30595025-C-G. GRCh37 (hg19) VCF-style: chr7-30634641-C-G.
Other names: c.-59C>G (NM_001316772.1); short protein forms S35C.
Identifiers: ClinVar variation 804827 (VCV000804827.6), dbSNP rs770934994, ClinGen allele CA367138546.